The following is an entry in ClinVar:

NM_021813.4(BACH2):c.2241G>A (p.Ala747=)

Gene: BACH2 (BACH transcriptional regulator 2; minus strand). Cytogenetic location: 6q15.
Variant type: single nucleotide variant.
Coding change: c.2241G>A on transcript NM_021813.4 (MANE Select); coding-DNA position 2241, G replaced by A.
Protein change: p.Ala747=; no amino-acid change (alanine 747 retained).
Molecular consequence: synonymous variant.
Genome position (GRCh38, 1-based): chr6:89,932,693, C>T on the plus strand (G>A on the coding strand, the complement: BACH2 is on the minus strand). VCF-style: chr6-89932693-C-T. GRCh37 (hg19) VCF-style: chr6-90642412-C-T.
Other names: c.2241G>A, p.Ala747= (NM_001170794.2); c.2241G>A (NM_021813.3).
Identifiers: ClinVar variation 1663049 (VCV001663049.10), dbSNP rs147649326, ClinGen allele CA3927838.

ClinVar aggregate classification (germline): Likely benign. Review status: criteria provided, multiple submitters, no conflicts (2 of 4 stars). 3 submissions from 3 submitters: Likely benign (3). Last evaluated 2025-10-21.

Conditions:
BACH2-related disorder. Also called: BACH2-related condition.

Allele frequency attached by ClinVar (database versions not stated): gnomAD exomes 0.00007 and 0.00016; ExAC 0.00021; 1000 Genomes Project 30x 0.00031; 1000 Genomes Project 0.00040; TOPMed 0.00048; gnomAD 0.00050 and 0.00054; ESP Exome Variant Server 0.00069.
gnomAD v4.1: 189 of 1,614,088 alleles (0.012%); highest among the groups gnomAD compares: African/African-American, 0.17%; no homozygotes.

Submissions (3):

Labcorp Genetics (formerly Invitae), Labcorp
Classification: Likely benign. Last evaluated: 2025-10-21. Review status: criteria provided, single submitter. Criteria: Invitae Variant Classification Sherloc (09022015). Collection method: clinical testing. Allele origin: germline.

PreventionGenetics, part of Exact Sciences
Classification: Likely benign for BACH2-related condition. Last evaluated: 2024-10-29. Review status: criteria provided, single submitter. Criteria: ACMG Guidelines, 2015. Collection method: clinical testing. Allele origin: germline.
Comment: This variant is classified as likely benign based on ACMG/AMP sequence variant interpretation guidelines (Richards et al. 2015 PMID: 25741868, with internal and published modifications).

Blueprint Genetics
Classification: Likely benign. Last evaluated: 2024-08-06. Review status: criteria provided, single submitter. Criteria: ACMG Guidelines, 2015. Collection method: clinical testing. Allele origin: germline.